The following is an entry in ClinVar:

NM_001370259.2(MEN1):c.256A>G (p.Ile86Val)

Gene: MEN1 (menin 1; minus strand). Cytogenetic location: 11q13.1.
Variant type: single nucleotide variant.
Coding change: c.256A>G on transcript NM_001370259.2 (MANE Select); coding-DNA position 256, A replaced by G.
Protein change: p.Ile86Val; replaces isoleucine 86 with valine.
Molecular consequence: missense variant. On other transcripts: non-coding transcript variant (4).
Genome position (GRCh38, 1-based): chr11:64,809,854, T>C on the plus strand (A>G on the coding strand, the complement: MEN1 is on the minus strand). VCF-style: chr11-64809854-T-C. GRCh37 (hg19) VCF-style: chr11-64577326-T-C.
Other names: c.256A>G, p.Ile86Val (NM_000244.4, NM_001370251.2, NM_001370260.2 and 20 more transcripts); short protein forms I86V.
Identifiers: ClinVar variation 3019475 (VCV003019475.3), dbSNP rs765390960, ClinGen allele CA061037.

ClinVar aggregate classification (germline): Uncertain significance (1 of 4 stars; one submission).

Conditions:
Multiple endocrine neoplasia, type 1 (MEN1). Also called: MEN I; WERMER SYNDROME; Endocrine adenomatosis multiple; MEN 1; MEA I. Identifiers: Orphanet 652, MedGen C0025267, MeSH D018761, MONDO:0007540, OMIM 131100.

Allele frequency attached by ClinVar (database versions not stated): gnomAD exomes below 0.00001; ExAC 0.00001.
gnomAD v4.1: 2 of 1,607,220 alleles (0.00012%); highest among the groups gnomAD compares: East Asian, 0.0022%; no homozygotes.

Submission:

Labcorp Genetics (formerly Invitae), Labcorp
Classification: Uncertain significance for Multiple endocrine neoplasia, type 1. Last evaluated: 2023-02-13. Review status: criteria provided, single submitter. Criteria: Invitae Variant Classification Sherloc (09022015). Collection method: clinical testing. Allele origin: germline.
Comment: This sequence change replaces isoleucine, which is neutral and non-polar, with valine, which is neutral and non-polar, at codon 86 of the MEN1 protein (p.Ile86Val). This variant is present in population databases (rs765390960, gnomAD 0.006%). This variant has not been reported in the literature in individuals affected with MEN1-related conditions. Algorithms developed to predict the effect of missense changes on protein structure and function (SIFT, PolyPhen-2, Align-GVGD) all suggest that this variant is likely to be tolerated. In summary, the available evidence is currently insufficient to determine the role of this variant in disease. Therefore, it has been classified as a Variant of Uncertain Significance.